The following is an entry in ClinVar:

NM_000094.4(COL7A1):c.7112C>T (p.Pro2371Leu)

Gene: COL7A1 (collagen type VII alpha 1 chain; minus strand). Cytogenetic location: 3p21.31.
Variant type: single nucleotide variant.
Coding change: c.7112C>T on transcript NM_000094.4 (MANE Select); coding-DNA position 7112, C replaced by T.
Protein change: p.Pro2371Leu; replaces proline 2371 with leucine.
Molecular consequence: missense variant.
Genome position (GRCh38, 1-based): chr3:48,571,153, G>A on the plus strand (C>T on the coding strand, the complement: COL7A1 is on the minus strand). VCF-style: chr3-48571153-G-A. GRCh37 (hg19) VCF-style: chr3-48608586-G-A.
Other names: short protein forms P2371L.
Identifiers: ClinVar variation 3374786 (VCV003374786.2).

ClinVar aggregate classification (germline): Uncertain significance. Review status: criteria provided, multiple submitters, no conflicts (2 of 4 stars). 2 submissions from 2 submitters: Uncertain significance (2). Last evaluated 2026-01-20.

gnomAD v4.1: 16 of 1,613,938 alleles (0.00099%); highest among the groups gnomAD compares: Non-Finnish European, 0.001%; no homozygotes.

Submissions (2):

Labcorp Genetics (formerly Invitae), Labcorp
Classification: Uncertain significance. Last evaluated: 2026-01-20. Review status: criteria provided, single submitter. Criteria: Invitae Variant Classification Sherloc (09022015). Collection method: clinical testing. Allele origin: germline.
Comment: This sequence change replaces proline, which is neutral and non-polar, with leucine, which is neutral and non-polar, at codon 2371 of the COL7A1 protein (p.Pro2371Leu). This variant is not present in population databases (gnomAD no frequency). This variant has not been reported in the literature in individuals affected with COL7A1-related conditions. ClinVar contains an entry for this variant (Variation ID: 3374786). Invitae Evidence Modeling of protein sequence and biophysical properties (such as structural, functional, and spatial information, amino acid conservation, physicochemical variation, residue mobility, and thermodynamic stability) indicates that this missense variant is not expected to disrupt COL7A1 protein function with a negative predictive value of 95%. In summary, the available evidence is currently insufficient to determine the role of this variant in disease. Therefore, it has been classified as a Variant of Uncertain Significance.

Women's Health and Genetics/Laboratory Corporation of America, LabCorp
Classification: Uncertain significance. Last evaluated: 2024-09-15. Review status: criteria provided, single submitter. Criteria: LabCorp Variant Classification Summary - May 2015. Collection method: clinical testing. Allele origin: germline.